The following is an entry in ClinVar:

ClinVar aggregate classification (germline): Likely benign. Review status: criteria provided, multiple submitters, no conflicts (2 of 4 stars). 9 submissions from 9 submitters: Likely benign (9). Last evaluated 2026-01-27.

Conditions:
Familial thoracic aortic aneurysm and aortic dissection (TAAD). Also called: Thoracic aortic aneurysms and dissections. Identifiers: Orphanet 91387, MedGen C4707243, MONDO:0019625.
Ehlers-Danlos syndrome, type 4 (EDSVASC). Also called: Ehlers-Danlos syndrome vascular type; Ehlers Danlos syndrome, ecchymotic type; Ehlers Danlos syndrome, arterial type; Ehlers Danlos syndrome, Sack-Barabas type; Ehlers-Danlos Syndrome Type IV. Identifiers: Orphanet 286, MedGen C0268338, MONDO:0017314, OMIM 130050.

Allele frequency attached by ClinVar (database versions not stated): 1000 Genomes Project 0.00120; 1000 Genomes Project 30x 0.00125; TOPMed 0.00138; gnomAD 0.00148 and 0.00162; ESP Exome Variant Server 0.00161.

Submissions (9):

Labcorp Genetics (formerly Invitae), Labcorp
Classification: Likely benign for Ehlers-Danlos syndrome, type 4. Last evaluated: 2026-01-27. Review status: criteria provided, single submitter. Criteria: Invitae Variant Classification Sherloc (09022015). Collection method: clinical testing. Allele origin: germline.

Mayo Clinic Laboratories, Mayo Clinic
Classification: Likely benign. Last evaluated: 2025-10-02. Review status: criteria provided, single submitter. Criteria: ACMG Guidelines, 2015. Collection method: clinical testing. Allele origin: germline. Observed: 3 variant alleles.
Comment: BS1, BP4, PP2

Blueprint Genetics
Classification: Likely benign. Last evaluated: 2024-11-26. Review status: criteria provided, single submitter. Criteria: ACMG Guidelines, 2015. Collection method: clinical testing. Allele origin: germline.

All of Us Research Program, National Institutes of Health
Classification: Likely benign for Ehlers-Danlos syndrome, type 4. Last evaluated: 2024-09-23. Review status: criteria provided, single submitter. Criteria: ACMG Guidelines, 2015. Collection method: clinical testing. Allele origin: germline. Inheritance: Autosomal dominant inheritance. Observed: 108 variant alleles, 106 heterozygotes, 2 hemizygotes.
Comment: This study involves interpretation of variants in research participants for the purpose of population health screening. Participant phenotype was not available at the time of variant classification. Additional details can be found in publication PMID: 35346344, PMCID: PMC8962531

ARUP Laboratories, Molecular Genetics and Genomics, ARUP Laboratories
Classification: Likely benign. Last evaluated: 2023-09-22. Review status: criteria provided, single submitter. Criteria: ARUP Molecular Germline Variant Investigation Process 2024. Collection method: clinical testing. Allele origin: germline.

Women's Health and Genetics/Laboratory Corporation of America, LabCorp
Classification: Likely benign. Last evaluated: 2023-08-10. Review status: criteria provided, single submitter. Criteria: LabCorp Variant Classification Summary - May 2015. Collection method: clinical testing. Allele origin: germline.

GeneDx
Classification: Likely benign. Last evaluated: 2021-04-01. Review status: criteria provided, single submitter. Criteria: GeneDx Variant Classification Process June 2021. Collection method: clinical testing. Allele origin: germline. Affected: yes.
Comment: This variant is associated with the following publications: (PMID: 25758994)

Ambry Genetics
Classification: Likely benign for Familial thoracic aortic aneurysm and aortic dissection. Last evaluated: 2019-07-22. Review status: criteria provided, single submitter. Criteria: Ambry Variant Classification Scheme 2023. Collection method: clinical testing. Allele origin: germline.

Color Diagnostics, LLC DBA Color Health
Classification: Likely benign for Familial thoracic aortic aneurysm and aortic dissection. Last evaluated: 2018-11-14. Review status: criteria provided, single submitter. Criteria: ACMG Guidelines, 2015. Collection method: clinical testing. Allele origin: germline.

Literature cited by the submitters: PubMed 25758994 (cited by Ambry Genetics); PubMed 30122538 (cited by Ambry Genetics).

NM_000090.4(COL3A1):c.130G>A (p.Val44Ile)

Gene: COL3A1 (collagen type III alpha 1 chain; plus strand). Cytogenetic location: 2q32.2.
Variant type: single nucleotide variant.
Coding change: c.130G>A on transcript NM_000090.4 (MANE Select); coding-DNA position 130, G replaced by A.
Protein change: p.Val44Ile; replaces valine 44 with isoleucine.
Molecular consequence: missense variant.
Genome position (GRCh38, 1-based): chr2:188,984,810, G>A. VCF-style: chr2-188984810-G-A. GRCh37 (hg19) VCF-style: chr2-189849536-G-A.
Other names: p.V44I:GTC>ATC; p.Val44Ile; short protein forms V44I.
Identifiers: ClinVar variation 199707 (VCV000199707.23), dbSNP rs79632685, ClinGen allele CA004218.